The following is an entry in ClinVar:

ClinVar aggregate classification (germline): Uncertain significance. Review status: criteria provided, multiple submitters, no conflicts (2 of 4 stars). 3 submissions from 3 submitters: Uncertain significance (3). Last evaluated 2022-08-10.

Conditions:
Inborn genetic diseases. Identifiers: MedGen C0950123, MeSH D030342.
Familial hemophagocytic lymphohistiocytosis 3 (FHL3). Also called: UNC13D-Related Familial Hemophagocytic Lymphohistiocytosis (UNC13D-fHLH). Identifiers: Orphanet 540, MedGen C1837174, MONDO:0012146, OMIM 608898.

Allele frequency attached by ClinVar (database versions not stated): gnomAD exomes below 0.00001 and 0.00001; TOPMed 0.00001.
gnomAD v4.1: 1 of 1,614,170 alleles (0.000062%); highest among the groups gnomAD compares: Non-Finnish European, 0.000085%; no homozygotes.

Submissions (3):

Labcorp Genetics (formerly Invitae), Labcorp
Classification: Uncertain significance for Familial hemophagocytic lymphohistiocytosis 3. Last evaluated: 2022-08-10. Review status: criteria provided, single submitter. Criteria: Invitae Variant Classification Sherloc (09022015). Collection method: clinical testing. Allele origin: germline.
Comment: This sequence change replaces isoleucine, which is neutral and non-polar, with threonine, which is neutral and polar, at codon 519 of the UNC13D protein (p.Ile519Thr). This variant is present in population databases (no rsID available, gnomAD 0.002%). This variant has not been reported in the literature in individuals affected with UNC13D-related conditions. ClinVar contains an entry for this variant (Variation ID: 1521235). Algorithms developed to predict the effect of missense changes on protein structure and function are either unavailable or do not agree on the potential impact of this missense change (SIFT: "Not Available"; PolyPhen-2: "Benign"; Align-GVGD: "Not Available"). In summary, the available evidence is currently insufficient to determine the role of this variant in disease. Therefore, it has been classified as a Variant of Uncertain Significance.

Ambry Genetics
Classification: Uncertain significance for Inborn genetic diseases. Last evaluated: 2021-07-09. Review status: criteria provided, single submitter. Criteria: Ambry Variant Classification Scheme 2023. Collection method: clinical testing. Allele origin: germline.

Genetics and Molecular Pathology, SA Pathology
Classification: Uncertain significance for Familial hemophagocytic lymphohistiocytosis 3. Last evaluated: 2020-08-28. Review status: criteria provided, single submitter. Criteria: ACMG Guidelines, 2015. Collection method: clinical testing. Allele origin: germline. Inheritance: Autosomal recessive inheritance. Affected: yes.
Comment: PM2

NM_199242.3(UNC13D):c.1556T>C (p.Ile519Thr)

Gene: UNC13D (unc-13 homolog D; minus strand). Cytogenetic location: 17q25.1.
Variant type: single nucleotide variant.
Coding change: c.1556T>C on transcript NM_199242.3 (MANE Select); coding-DNA position 1556, T replaced by C.
Protein change: p.Ile519Thr; replaces isoleucine 519 with threonine.
Molecular consequence: missense variant.
Genome position (GRCh38, 1-based): chr17:75,835,895, A>G on the plus strand (T>C on the coding strand, the complement: UNC13D is on the minus strand). VCF-style: chr17-75835895-A-G. GRCh37 (hg19) VCF-style: chr17-73831976-A-G.
Other names: short protein forms I519T.
Identifiers: ClinVar variation 1521235 (VCV001521235.7), dbSNP rs1402195363, ClinGen allele CA401097116.